The following is an entry in ClinVar:

ClinVar aggregate classification (germline): Conflicting classifications of pathogenicity. Review status: criteria provided, conflicting classifications (1 of 4 stars). 5 submissions from 5 submitters: Pathogenic (1); Uncertain significance (4). Last evaluated 2025-06-02.

Conditions:
Atrial fibrillation, familial, 12 (ATFB12). Identifiers: MedGen C3279695, MONDO:0013545, OMIM 614050.
Intellectual disability and myopathy syndrome (IDMYS). Identifiers: MedGen C5676904, MONDO:0859224, OMIM 619719.
Hypertrichotic osteochondrodysplasia Cantu type. Also called: Cantu Syndrome; Cantú Syndrome. Identifiers: Orphanet 1517, MedGen C0795905, MONDO:0009406, OMIM 239850.
Dilated cardiomyopathy 1O (CMD1O). Also called: CARDIOMYOPATHY, DILATED, WITH VENTRICULAR TACHYCARDIA. Identifiers: Orphanet 154, MedGen C1837839, MONDO:0012062, OMIM 608569.

Submissions (5):

Labcorp Genetics (formerly Invitae), Labcorp
Classification: Pathogenic for Dilated cardiomyopathy 1O. Last evaluated: 2025-06-02. Review status: criteria provided, single submitter. Criteria: Invitae Variant Classification Sherloc (09022015). Collection method: clinical testing. Allele origin: germline.
Comment: This sequence change creates a premature translational stop signal (p.Ser1400Glnfs*5) in the ABCC9 gene. It is expected to result in an absent or disrupted protein product. Loss-of-function variants in ABCC9 are known to be pathogenic (PMID: 31575858, 38217872). This variant is not present in population databases (gnomAD no frequency). This premature translational stop signal has been observed in individual(s) with clinical features of ABCC9-related conditions (PMID: 37209000). ClinVar contains an entry for this variant (Variation ID: 179983). For these reasons, this variant has been classified as Pathogenic.

Fulgent Genetics
Classification: Uncertain significance for Hypertrichotic osteochondrodysplasia Cantu type; Dilated cardiomyopathy 1O; Atrial fibrillation, familial, 12; Intellectual disability and myopathy syndrome. Last evaluated: 2021-07-26. Review status: criteria provided, single submitter. Criteria: ACMG Guidelines, 2015. Collection method: clinical testing. Allele origin: unknown.

Laboratory for Molecular Medicine, Mass General Brigham Personalized Medicine
Classification: Uncertain significance. Last evaluated: 2020-10-09. Review status: criteria provided, single submitter. Criteria: LMM Criteria. Collection method: clinical testing. Allele origin: germline. Observed: 2 variant alleles.
Comment: Additionally, this variant has also been identified by other clinical laboratories in ClinVar (Variation ID: 179983) and has also been identified in 0.001% (1/113500) of European chromosomes by gnomAD. This variant is predicted to cause a frameshift, which alters the protein's amino acid sequence beginning at position 1400 and leads to a premature termination codon 5 amino acids downstream. This alteration is then predicted to lead to a truncated or absent protein. Although this variant is predicted to be deleterious to the protein, the variant spectrum of this gene has not been well characterized and it is unclear if variants of this type play a role in disease. In summary, the clinical significance of the p.Ser1400GlnfsX5 variant is uncertain. ACMG/AMP criteria applied: PM2.

Blueprint Genetics
Classification: Uncertain significance. Last evaluated: 2019-09-20. Review status: criteria provided, single submitter. Criteria: ACMG Guidelines, 2015. Collection method: clinical testing. Allele origin: germline.

GeneDx
Classification: Uncertain significance. Last evaluated: 2017-12-15. Review status: criteria provided, single submitter. Criteria: GeneDx Variant Classification (06012015). Collection method: clinical testing. Allele origin: germline. Affected: yes.
Comment: A variant of uncertain significance has been identified in the ABCC9 gene. The c.4196dupT variant has not been published as pathogenic or been reported as benign to our knowledge. The c.4196dupT variant is not observed in large population cohorts (Lek et al., 2016). This variant causes a shift in reading frame starting at codon serine 1400, changing it to a glutamine, and creating a premature stop codon at position 5 of the new reading frame, denoted p.Ser1400GlnfsX5. This variant is expected to result in either an abnormal, truncated protein product or loss of protein from this allele through nonsense-mediated mRNA decay. However, only a few loss of function variants in the PRDM16 gene have been reported in Human Gene Mutation Database in association with ABCC9-related disorders (Stenson et al., 2014), indicating that loss of function is not an established mechanism of disease for this gene.

Literature cited by the submitters: PubMed 31575858 (cited by Labcorp Genetics (formerly Invitae), Labcorp); PubMed 38217872 (cited by Labcorp Genetics (formerly Invitae), Labcorp); PubMed 37209000 (cited by Labcorp Genetics (formerly Invitae), Labcorp).

NM_020297.4(ABCC9):c.4196dup (p.Ser1400fs)

Genes: ABCC9 (ATP binding cassette subfamily C member 9; minus strand), KCNJ8-AS1 (KCNJ8 antisense RNA 1; plus strand). Cytogenetic location: 12p12.1.
Variant type: Duplication.
Coding change: c.4196dup on transcript NM_020297.4 (MANE Select); coding-DNA position 4196, one base duplicated (T; older notation c.4196dupT).
Protein change: p.Ser1400fs; shifts the reading frame from serine 1400.
Molecular consequence: frameshift variant.
Genome position (GRCh38, 1-based): chr12:21,812,064, A duplicated on the plus strand (T on the coding strand, the reverse complement: ABCC9 is on the minus strand); the first of 2 consecutive A bases (chr12:21,812,064-21,812,065); duplicating either gives the same sequence. VCF-style (leftmost placement, unchanged base first): chr12-21812063-G-GA. GRCh37 (hg19) VCF-style: chr12-21964997-G-GA.
Other names: NM_005691.2:c.4196dupT; p.Ser1400GlnfsX5; c.4196dup, p.Ser1400fs (NM_001377273.1, NM_005691.4); c.3329dup, p.Ser1111fs (NM_001377274.1); short protein forms S1400fs, S1111fs.
Identifiers: ClinVar variation 179983 (VCV000179983.14), dbSNP rs730880370, ClinGen allele CA185575.
Genomic context (GRCh38, chr12:21,812,063, plus strand): 5'-AGGCTAAATCCTAAGGCATACAGGTGTTGCTAAATATGTTACCTACCTAATGGAACCACT[G>GA]AATAGTATTGGATCCTGCAGAATGATTGAAAGTCTAGAACGTAGTGTGTGCAGTGGTAAT-3'